The following is an entry in ClinVar:

ClinVar aggregate classification (germline): Uncertain significance (0 of 4 stars; one submission).

Conditions:
KMT2D-related disorder. Also called: KMT2D-Related Disorders.

Allele frequency attached by ClinVar (database versions not stated): gnomAD exomes below 0.00001; TOPMed below 0.00001.
gnomAD v4.1: 1 of 1,564,836 alleles (0.000064%); highest among the groups gnomAD compares: Non-Finnish European, 0.000087%; no homozygotes.

Submission:

PreventionGenetics, part of Exact Sciences
Classification: Uncertain significance for KMT2D-related condition. Last evaluated: 2023-12-26. Review status: no assertion criteria provided. Collection method: clinical testing. Allele origin: germline.
Comment: The KMT2D c.13831C>T variant is predicted to result in the amino acid substitution p.Leu4611Phe. To our knowledge, this variant has not been reported in the literature or in a large population database, indicating this variant is rare. At this time, the clinical significance of this variant is uncertain due to the absence of conclusive functional and genetic evidence.

NM_003482.4(KMT2D):c.13831C>T (p.Leu4611Phe)

Gene: KMT2D (lysine methyltransferase 2D; minus strand). Cytogenetic location: 12q13.12.
Variant type: single nucleotide variant.
Coding change: c.13831C>T on transcript NM_003482.4 (MANE Select); coding-DNA position 13831, C replaced by T.
Protein change: p.Leu4611Phe; replaces leucine 4611 with phenylalanine.
Molecular consequence: missense variant.
Genome position (GRCh38, 1-based): chr12:49,030,609, G>A on the plus strand (C>T on the coding strand, the complement: KMT2D is on the minus strand). VCF-style: chr12-49030609-G-A. GRCh37 (hg19) VCF-style: chr12-49424392-G-A.
Other names: short protein forms L4611F.
Identifiers: ClinVar variation 3032092 (VCV003032092.2), dbSNP rs1592113342, ClinGen allele CA384701592.
Genomic context (GRCh38, chr12:49,030,609, plus strand): 5'-TCACCTTCCCAAGAACTTCACTATTCCCAAAAAATATTGCCATTTTTCTGACCTTGGTAA[G>A]CAGCTGGGAATAGTAGTCAGGGCCAGTGGGCAGCGCCCCACTTCCAAAGGCCCCCCTCAG-3'
Protein context (NP_003473.3, residues 4601-4621): PTGPDYYSQL[Leu4611Phe]TKNNLSNPPT